The following is an entry in ClinVar:

NM_002972.4(SBF1):c.2345G>A (p.Arg782His)

Gene: SBF1 (SET binding factor 1; minus strand). Cytogenetic location: 22q13.33.
Variant type: single nucleotide variant.
Coding change: c.2345G>A on transcript NM_002972.4 (MANE Select); coding-DNA position 2345, G replaced by A.
Protein change: p.Arg782His; replaces arginine 782 with histidine.
Molecular consequence: missense variant.
Genome position (GRCh38, 1-based): chr22:50,462,256, C>T on the plus strand (G>A on the coding strand, the complement: SBF1 is on the minus strand). VCF-style: chr22-50462256-C-T. GRCh37 (hg19) VCF-style: chr22-50900685-C-T.
Other names: c.2348G>A, p.Arg783His (NM_001365819.1); c.2345G>A (NM_002972.2); short protein forms R783H, R782H.
Identifiers: ClinVar variation 1352240 (VCV001352240.5), dbSNP rs199791079, ClinGen allele CA10317267.

ClinVar aggregate classification (germline): Uncertain significance. Review status: criteria provided, multiple submitters, no conflicts (2 of 4 stars). 2 submissions from 2 submitters: Uncertain significance (2). Last evaluated 2025-03-22.

Allele frequency attached by ClinVar (database versions not stated): gnomAD exomes 0.00003 and 0.00002; ExAC 0.00002; TOPMed 0.00002.
gnomAD v4.1: 38 of 1,610,446 alleles (0.0024%); highest among the groups gnomAD compares: Non-Finnish European, 0.003%; no homozygotes.

Submissions (2):

Ambry Genetics
Classification: Uncertain significance. Last evaluated: 2025-03-22. Review status: criteria provided, single submitter. Criteria: Ambry Variant Classification Scheme 2023. Collection method: clinical testing. Allele origin: germline.

Labcorp Genetics (formerly Invitae), Labcorp
Classification: Uncertain significance. Last evaluated: 2021-08-14. Review status: criteria provided, single submitter. Criteria: Invitae Variant Classification Sherloc (09022015). Collection method: clinical testing. Allele origin: germline.
Comment: This sequence change replaces arginine with histidine at codon 782 of the SBF1 protein (p.Arg782His). The arginine residue is weakly conserved and there is a small physicochemical difference between arginine and histidine. This variant is present in population databases (rs199791079, ExAC 0.009%). This variant has not been reported in the literature in individuals affected with SBF1-related conditions. Algorithms developed to predict the effect of missense changes on protein structure and function are either unavailable or do not agree on the potential impact of this missense change (SIFT: "Tolerated"; PolyPhen-2: "Possibly Damaging"; Align-GVGD: "Class C0"). In summary, the available evidence is currently insufficient to determine the role of this variant in disease. Therefore, it has been classified as a Variant of Uncertain Significance.